The following is an entry in ClinVar:

NM_005359.6(SMAD4):c.737del (p.Pro246fs)

Gene: SMAD4 (SMAD family member 4; plus strand). Cytogenetic location: 18q21.2.
Variant type: Deletion.
Coding change: c.737del on transcript NM_005359.6 (MANE Select); coding-DNA position 737, one base deleted (C; older notation c.737delC).
Protein change: p.Pro246fs; shifts the reading frame from proline 246.
Molecular consequence: frameshift variant.
Genome position (GRCh38, 1-based): chr18:51,058,194, C deleted; the last of 2 consecutive C bases (chr18:51,058,193-51,058,194); deleting either gives the same sequence. VCF-style (leftmost placement, unchanged base first): chr18-51058192-GC-G. GRCh37 (hg19) VCF-style: chr18-48584562-GC-G.
Other names: short protein forms P246fs.
Identifiers: ClinVar variation 3254075 (VCV003254075.1), dbSNP rs2144427288.

ClinVar aggregate classification (germline): Pathogenic (1 of 4 stars; one submission).

Conditions:
Juvenile polyposis/hereditary hemorrhagic telangiectasia syndrome (JPHT). Also called: JP/HHT SYNDROME; JUVENILE POLYPOSIS WITH HEREDITARY HEMORRHAGIC TELANGIECTASIA; POLYPOSIS, GENERALIZED JUVENILE, WITH PULMONARY ARTERIOVENOUS MALFORMATION; TELANGIECTASIA, HEREDITARY HEMORRHAGIC, WITH JUVENILE POLYPOSIS COLI; Juvenile Polyposis Syndrome / Hereditary Hemorrhagic Telangiectasia (JPS/HHT). Identifiers: Orphanet 2929, MedGen C1832942, MONDO:0008278, OMIM 175050.

Submission:

Myriad Genetics, Inc.
Classification: Pathogenic for Juvenile polyposis/hereditary hemorrhagic telangiectasia syndrome. Last evaluated: 2024-05-13. Review status: criteria provided, single submitter. Criteria: Myriad Autosomal Dominant, Autosomal Recessive and X-Linked Classification Criteria (2023). Collection method: clinical testing. Allele origin: unknown.
Comment: This variant is considered pathogenic. This variant creates a frameshift predicted to result in premature protein truncation.